The following is an entry in ClinVar:

NM_144670.6(A2ML1):c.3961C>T (p.Pro1321Ser)

Gene: A2ML1 (alpha-2-macroglobulin like 1; plus strand). Cytogenetic location: 12p13.31.
Variant type: single nucleotide variant.
Coding change: c.3961C>T on transcript NM_144670.6 (MANE Select); coding-DNA position 3961, C replaced by T.
Protein change: p.Pro1321Ser; replaces proline 1321 with serine.
Molecular consequence: missense variant.
Genome position (GRCh38, 1-based): chr12:8,868,257, C>T. VCF-style: chr12-8868257-C-T. GRCh37 (hg19) VCF-style: chr12-9020853-C-T.
Other names: c.3961C>T (NM_144670.3); c.2488C>T, p.Pro830Ser (NM_001282424.3); short protein forms P1321S, P830S.
Identifiers: ClinVar variation 1002209 (VCV001002209.7), dbSNP rs777780229, ClinGen allele CA6436537.
Genomic context (GRCh38, chr12:8,868,257, plus strand): 5'-AGTCTGATTTGGCTACCTATTTCTTCCTACCAGACGGTGTTGAGATACAATATTCTCCCT[C>T]CCACAAATATGAAGACCTTTAGTCTTAGTGTGGAAATAGGAAAAGCTAGATGTGAGCAAC-3'
Protein context (NP_653271.3, residues 1311-1331): QTVLRYNILP[Pro1321Ser]TNMKTFSLSV

ClinVar aggregate classification (germline): Uncertain significance. Review status: criteria provided, multiple submitters, no conflicts (2 of 4 stars). 2 submissions from 2 submitters: Uncertain significance (2). Last evaluated 2024-08-31.

Allele frequency attached by ClinVar (database versions not stated): gnomAD 0.00001; ExAC 0.00002; gnomAD exomes 0.00002 and 0.00004; TOPMed 0.00002.
gnomAD v4.1: 14 of 1,613,680 alleles (0.00087%); highest among the groups gnomAD compares: Admixed American, 0.018%; no homozygotes.

Submissions (2):

Ambry Genetics
Classification: Uncertain significance. Last evaluated: 2024-08-31. Review status: criteria provided, single submitter. Criteria: Ambry Variant Classification Scheme 2023. Collection method: clinical testing. Allele origin: germline.
Comment: The p.P1321S variant (also known as c.3961C>T), located in coding exon 31 of the A2ML1 gene, results from a C to T substitution at nucleotide position 3961. The proline at codon 1321 is replaced by serine, an amino acid with similar properties. This amino acid position is conserved. In addition, this alteration is predicted to be tolerated by in silico analysis. Based on the available evidence, the clinical significance of this variant remains unclear.

Labcorp Genetics (formerly Invitae), Labcorp
Classification: Uncertain significance. Last evaluated: 2024-06-07. Review status: criteria provided, single submitter. Criteria: Invitae Variant Classification Sherloc (09022015). Collection method: clinical testing. Allele origin: germline.
Comment: This sequence change replaces proline, which is neutral and non-polar, with serine, which is neutral and polar, at codon 1321 of the A2ML1 protein (p.Pro1321Ser). This variant is present in population databases (rs777780229, gnomAD 0.02%). This variant has not been reported in the literature in individuals affected with A2ML1-related conditions. ClinVar contains an entry for this variant (Variation ID: 1002209). An algorithm developed to predict the effect of missense changes on protein structure and function (PolyPhen-2) suggests that this variant is likely to be tolerated. In summary, the available evidence is currently insufficient to determine the role of this variant in disease. Therefore, it has been classified as a Variant of Uncertain Significance.